The following is an entry in ClinVar:

ClinVar aggregate classification (germline): Uncertain significance (1 of 4 stars; one submission).

Conditions:
Heterotaxy, visceral, 5, autosomal (HTX5). Also called: Heterotaxy, visceral, 5. Identifiers: Orphanet 450, MedGen C3495537, MONDO:0700112, OMIM 270100.

Submission:

Labcorp Genetics (formerly Invitae), Labcorp
Classification: Uncertain significance for Heterotaxy, visceral, 5, autosomal. Last evaluated: 2025-06-04. Review status: criteria provided, single submitter. Criteria: Invitae Variant Classification Sherloc (09022015). Collection method: clinical testing. Allele origin: germline.
Comment: This sequence change creates a premature translational stop signal (p.Leu299Alafs*29) in the NODAL gene. While this is not anticipated to result in nonsense mediated decay, it is expected to disrupt the last 49 amino acid(s) of the NODAL protein. This variant is not present in population databases (gnomAD no frequency). This variant has not been reported in the literature in individuals affected with NODAL-related conditions. Experimental studies and prediction algorithms are not available or were not evaluated, and the functional significance of this variant is currently unknown. Algorithms developed to predict the effect of sequence changes on RNA splicing suggest that this variant may disrupt the consensus splice site. In summary, the available evidence is currently insufficient to determine the role of this variant in disease. Therefore, it has been classified as a Variant of Uncertain Significance.

NC_000010.11:g.70433087CT[1]

Gene: NODAL (nodal growth differentiation factor; minus strand). Cytogenetic location: 10q22.1.
Variant type: Microsatellite.
Genome position: GRCh38 VCF-style: chr10-70433086-ACT-A. GRCh37 (hg19) VCF-style: chr10-72192842-ACT-A.
Identifiers: ClinVar variation 4764941 (VCV004764941.1).